The following is an entry in ClinVar:

ClinVar aggregate classification (germline): Pathogenic (1 of 4 stars; one submission).

Submission:

Labcorp Genetics (formerly Invitae), Labcorp
Classification: Pathogenic. Last evaluated: 2022-08-21. Review status: criteria provided, single submitter. Criteria: Invitae Variant Classification Sherloc (09022015). Collection method: clinical testing. Allele origin: germline.
Comment: For these reasons, this variant has been classified as Pathogenic. This sequence change creates a premature translational stop signal (p.Lys543*) in the COL4A1 gene. It is expected to result in an absent or disrupted protein product. Loss-of-function variants in COL4A1 are known to be pathogenic (PMID: 23225343). This variant is not present in population databases (gnomAD no frequency). This variant has not been reported in the literature in individuals affected with COL4A1-related conditions.

Literature cited by the submitters: PubMed 23225343.

NM_001845.6(COL4A1):c.1627A>T (p.Lys543Ter)

Gene: COL4A1 (collagen type IV alpha 1 chain; minus strand). Cytogenetic location: 13q34.
Variant type: single nucleotide variant.
Coding change: c.1627A>T on transcript NM_001845.6 (MANE Select); coding-DNA position 1627, A replaced by T.
Protein change: p.Lys543Ter; replaces lysine 543 with a stop codon.
Molecular consequence: nonsense.
Genome position (GRCh38, 1-based): chr13:110,187,239, T>A on the plus strand (A>T on the coding strand, the complement: COL4A1 is on the minus strand). VCF-style: chr13-110187239-T-A. GRCh37 (hg19) VCF-style: chr13-110839586-T-A.
Other names: short protein forms K543*.
Identifiers: ClinVar variation 2120669 (VCV002120669.4), dbSNP rs2501800690, ClinGen allele CA388723055.